The following is an entry in ClinVar:

ClinVar aggregate classification (germline): Conflicting classifications of pathogenicity. Review status: criteria provided, conflicting classifications (1 of 4 stars). 3 submissions from 3 submitters: Uncertain significance (1); Benign (1). 1 of the submissions does not count toward it. Last evaluated 2025-12-08.

Conditions:
XPO5-related disorder. Also called: XPO5-related condition.

Allele frequency attached by ClinVar (database versions not stated): gnomAD 0.00031; 1000 Genomes Project 0.00080; 1000 Genomes Project 30x 0.00094; TOPMed 0.00047; ExAC 0.00055; gnomAD exomes 0.00015.
gnomAD v4.1: 334 of 1,613,992 alleles (0.021%); highest among the groups gnomAD compares: East Asian, 0.54%; 1 homozygote.

Submissions (3):

Labcorp Genetics (formerly Invitae), Labcorp
Classification: Benign. Last evaluated: 2025-12-08. Review status: criteria provided, single submitter. Criteria: Invitae Variant Classification Sherloc (09022015). Collection method: clinical testing. Allele origin: germline.

Blueprint Genetics
Classification: Uncertain significance. Last evaluated: 2024-11-11. Review status: criteria provided, single submitter. Criteria: ACMG Guidelines, 2015. Collection method: clinical testing. Allele origin: germline.

PreventionGenetics, part of Exact Sciences
Classification: Benign for XPO5-related condition. Last evaluated: 2019-07-10. Review status: no assertion criteria provided. Collection method: clinical testing. Allele origin: germline. Not counted in ClinVar's aggregate classification.
Comment: This variant is classified as benign based on ACMG/AMP sequence variant interpretation guidelines (Richards et al. 2015 PMID: 25741868, with internal and published modifications).

NM_020750.3(XPO5):c.1655T>C (p.Val552Ala)

Genes: POLR1C (RNA polymerase I and III subunit C; plus strand), XPO5 (exportin 5; minus strand). Cytogenetic location: 6p21.1.
Variant type: single nucleotide variant.
Coding change: c.1655T>C on transcript NM_020750.3 (MANE Select); coding-DNA position 1655, T replaced by C.
Protein change: p.Val552Ala; replaces valine 552 with alanine.
Molecular consequence: missense variant. On other transcripts: non-coding transcript variant (1), intron variant (1).
Genome position (GRCh38, 1-based): chr6:43,551,371, A>G on the plus strand (T>C on the coding strand, the complement: XPO5 is on the minus strand). VCF-style: chr6-43551371-A-G. GRCh37 (hg19) VCF-style: chr6-43519108-A-G.
Other names: c.*42+360A>G (NM_001363658.2); short protein forms V552A.
Identifiers: ClinVar variation 2042228 (VCV002042228.6), dbSNP rs186877420, ClinGen allele CA3826349.
Genomic context (GRCh38, chr6:43,551,371, plus strand): 5'-TGGGGCAGGAACTCTGGTCTGTAGGTGACAAATGGAAAGAGTGCAGAGACATTAGTAAGG[A>G]CGCAGGACAGGATGAGGGGATCCTTGGTATCAAAGTTCAGAACCATCTGCAATAGCTCTA-3'
Protein context (NP_065801.1, residues 542-562): DTKDPLILSC[Val552Ala]LTNVSALFPF